The following is an entry in ClinVar:

ClinVar aggregate classification (germline): Uncertain significance (1 of 4 stars; one submission).

Conditions:
Hypertrophic cardiomyopathy 10. Also called: CARDIOMYOPATHY, HYPERTROPHIC, MID-LEFT VENTRICULAR CHAMBER TYPE, 2; MYL2-Related Familial Hypertrophic Cardiomyopathy. Identifiers: MedGen C1834460, MONDO:0012112, OMIM 608758.

gnomAD v4.1: 1 of 1,614,208 alleles (0.000062%); highest among the groups gnomAD compares: Admixed American, 0.0017%; no homozygotes.

Submission:

Labcorp Genetics (formerly Invitae), Labcorp
Classification: Uncertain significance for Hypertrophic cardiomyopathy 10. Last evaluated: 2025-09-23. Review status: criteria provided, single submitter. Criteria: Invitae Variant Classification Sherloc (09022015). Collection method: clinical testing. Allele origin: germline.
Comment: This sequence change replaces threonine, which is neutral and polar, with lysine, which is basic and polar, at codon 125 of the MYL2 protein (p.Thr125Lys). This variant is present in population databases (no rsID available, gnomAD 0.003%). This variant has not been reported in the literature in individuals affected with MYL2-related conditions. ClinVar contains an entry for this variant (Variation ID: 532777). An algorithm developed to predict the effect of missense changes on protein structure and function (PolyPhen-2) suggests that this variant is likely to be disruptive. In summary, the available evidence is currently insufficient to determine the role of this variant in disease. Therefore, it has been classified as a Variant of Uncertain Significance.

NM_000432.4(MYL2):c.374C>A (p.Thr125Lys)

Gene: MYL2 (myosin light chain 2; minus strand). Cytogenetic location: 12q24.11.
Variant type: single nucleotide variant.
Coding change: c.374C>A on transcript NM_000432.4 (MANE Select); coding-DNA position 374, C replaced by A.
Protein change: p.Thr125Lys; replaces threonine 125 with lysine.
Molecular consequence: missense variant.
Genome position (GRCh38, 1-based): chr12:110,913,124, G>T on the plus strand (C>A on the coding strand, the complement: MYL2 is on the minus strand). VCF-style: chr12-110913124-G-T. GRCh37 (hg19) VCF-style: chr12-111350928-G-T.
Other names: short protein forms T125K.
Identifiers: ClinVar variation 532777 (VCV000532777.10), dbSNP rs375667565, ClinGen allele CA386697753.